The following is an entry in ClinVar:

NM_002049.4(GATA1):c.137_158delinsGCT (p.Ser46fs)

Gene: GATA1 (GATA binding protein 1; plus strand). Cytogenetic location: Xp11.23.
Variant type: Indel.
Coding change: c.137_158delinsGCT on transcript NM_002049.4 (MANE Select); coding-DNA positions 137 to 158, CCTCCACTGCCCCGAGCACAGC replaced by GCT.
Protein change: p.Ser46fs; shifts the reading frame from serine 46.
Molecular consequence: frameshift variant.
Genome position (GRCh38, 1-based): chrX:48,791,246-48,791,267, CCTCCACTGCCCCGAGCACAGC replaced by GCT. VCF-style: chrX-48791246-CCTCCACTGCCCCGAGCACAGC-GCT. GRCh37 (hg19) VCF-style: chrX-48649653-CCTCCACTGCCCCGAGCACAGC-GCT.
Other names: c.137_158del22insGCT, p.Ser46Cysfs (NM_002049.3); short protein forms S46fs.
Identifiers: ClinVar variation 3346270 (VCV003346270.1).

ClinVar aggregate classification (germline): Likely pathogenic (0 of 4 stars; one submission).

Conditions:
GATA1-related disorder. Also called: GATA1-related condition.

Submission:

PreventionGenetics, part of Exact Sciences
Classification: Likely pathogenic for GATA1-related condition. Last evaluated: 2024-04-03. Review status: no assertion criteria provided. Collection method: clinical testing. Allele origin: germline.
Comment: The GATA1 c.137_158delinsGCT variant is predicted to result in a frameshift and premature protein termination (p.Ser46Cysfs*85). Acquired truncating GATA1 variants, particularly in exon 2, are known to be associated with transient myeloproliferative disorder and megakaryoblastic leukemia in children with Down syndrome (Hitzler et al. 2003. PubMed ID: 12586620; Rainis et al. 2003. PubMed ID: 12649131; Camargo et al. 2022. PubMed ID: 35731576). To our knowledge, this variant has not been reported in the literature or in a large population database, indicating this variant is rare. Frameshift variants in GATA1 are expected to be pathogenic. This variant is interpreted as likely pathogenic.